The following is an entry in ClinVar:

ClinVar aggregate classification (germline): Uncertain significance. Review status: criteria provided, multiple submitters, no conflicts (2 of 4 stars). 2 submissions from 2 submitters: Uncertain significance (2). Last evaluated 2025-01-26.

Conditions:
Hereditary cancer-predisposing syndrome. Also called: Tumor predisposition; Hereditary Cancer Syndrome; Neoplastic Syndromes, Hereditary; Hereditary neoplastic syndrome. Identifiers: Orphanet 140162, MedGen C0027672, MeSH D009386, MONDO:0015356.

Submissions (2):

Labcorp Genetics (formerly Invitae), Labcorp
Classification: Uncertain significance for Hereditary cancer-predisposing syndrome. Last evaluated: 2025-01-26. Review status: criteria provided, single submitter. Criteria: Invitae Variant Classification Sherloc (09022015). Collection method: clinical testing. Allele origin: germline.
Comment: This sequence change replaces lysine, which is basic and polar, with glutamic acid, which is acidic and polar, at codon 938 of the RAD50 protein (p.Lys938Glu). This variant is not present in population databases (gnomAD no frequency). This variant has not been reported in the literature in individuals affected with RAD50-related conditions. ClinVar contains an entry for this variant (Variation ID: 821840). Invitae Evidence Modeling of protein sequence and biophysical properties (such as structural, functional, and spatial information, amino acid conservation, physicochemical variation, residue mobility, and thermodynamic stability) indicates that this missense variant is not expected to disrupt RAD50 protein function with a negative predictive value of 80%. In summary, the available evidence is currently insufficient to determine the role of this variant in disease. Therefore, it has been classified as a Variant of Uncertain Significance.

Ambry Genetics
Classification: Uncertain significance for Hereditary cancer-predisposing syndrome. Last evaluated: 2023-04-13. Review status: criteria provided, single submitter. Criteria: Ambry Variant Classification Scheme 2023. Collection method: clinical testing. Allele origin: germline.
Comment: The p.K938E variant (also known as c.2812A>G), located in coding exon 17 of the RAD50 gene, results from an A to G substitution at nucleotide position 2812. The lysine at codon 938 is replaced by glutamic acid, an amino acid with similar properties. This amino acid position is not well conserved in available vertebrate species. In addition, this alteration is predicted to be tolerated by in silico analysis. Since supporting evidence is limited at this time, the clinical significance of this alteration remains unclear.

NM_005732.4(RAD50):c.2812A>G (p.Lys938Glu)

Gene: RAD50 (RAD50 double strand break repair protein; plus strand). Cytogenetic location: 5q31.1.
Variant type: single nucleotide variant.
Coding change: c.2812A>G on transcript NM_005732.4 (MANE Select); coding-DNA position 2812, A replaced by G.
Protein change: p.Lys938Glu; replaces lysine 938 with glutamic acid.
Molecular consequence: missense variant.
Genome position (GRCh38, 1-based): chr5:132,608,708, A>G. VCF-style: chr5-132608708-A-G. GRCh37 (hg19) VCF-style: chr5-131944400-A-G.
Other names: short protein forms K938E.
Identifiers: ClinVar variation 821840 (VCV000821840.14), dbSNP rs1581004305, ClinGen allele CA360959157.